The following is an entry in ClinVar:

NM_005502.4(ABCA1):c.2251G>C (p.Gly751Arg)

Gene: ABCA1 (ATP binding cassette subfamily A member 1; minus strand). Cytogenetic location: 9q31.1.
Variant type: single nucleotide variant.
Coding change: c.2251G>C on transcript NM_005502.4 (MANE Select); coding-DNA position 2251, G replaced by C.
Protein change: p.Gly751Arg; replaces glycine 751 with arginine.
Molecular consequence: missense variant.
Genome position (GRCh38, 1-based): chr9:104,827,034, C>G on the plus strand (G>C on the coding strand, the complement: ABCA1 is on the minus strand). VCF-style: chr9-104827034-C-G. GRCh37 (hg19) VCF-style: chr9-107589315-C-G.
Other names: short protein forms G751R.
Identifiers: ClinVar variation 3269421 (VCV003269421.1).

ClinVar aggregate classification (germline): Uncertain significance (1 of 4 stars; one submission).

Conditions:
Cardiovascular phenotype. Identifiers: MedGen CN230736.

Submission:

Ambry Genetics
Classification: Uncertain significance for Cardiovascular phenotype. Last evaluated: 2024-06-17. Review status: criteria provided, single submitter. Criteria: Ambry Variant Classification Scheme 2023. Collection method: clinical testing. Allele origin: germline.
Comment: The p.G751R variant (also known as c.2251G>C), located in coding exon 15 of the ABCA1 gene, results from a G to C substitution at nucleotide position 2251. The glycine at codon 751 is replaced by arginine, an amino acid with dissimilar properties. This amino acid position is conserved. In addition, this alteration is predicted to be deleterious by in silico analysis. Based on the available evidence, the clinical significance of this variant remains unclear.